The following is an entry in ClinVar:

ClinVar aggregate classification (germline): Uncertain significance (1 of 4 stars; one submission).

gnomAD v4.1: 1 of 1,614,112 alleles (0.000062%); highest among the groups gnomAD compares: South Asian, 0.0011%; no homozygotes.

Submission:

GeneDx
Classification: Uncertain significance. Last evaluated: 2024-01-23. Review status: criteria provided, single submitter. Criteria: GeneDx Variant Classification Process June 2021. Collection method: clinical testing. Allele origin: germline. Affected: yes.
Comment: In silico analysis supports that this missense variant does not alter protein structure/function; Has not been previously published as pathogenic or benign to our knowledge

NM_052876.4(NACC1):c.868G>A (p.Glu290Lys)

Gene: NACC1 (nucleus accumbens associated 1; plus strand). Cytogenetic location: 19p13.13.
Variant type: single nucleotide variant.
Coding change: c.868G>A on transcript NM_052876.4 (MANE Select); coding-DNA position 868, G replaced by A.
Protein change: p.Glu290Lys; replaces glutamic acid 290 with lysine.
Molecular consequence: missense variant.
Genome position (GRCh38, 1-based): chr19:13,136,075, G>A. VCF-style: chr19-13136075-G-A. GRCh37 (hg19) VCF-style: chr19-13246889-G-A.
Other names: short protein forms E290K.
Identifiers: ClinVar variation 3368170 (VCV003368170.1).
Genomic context (GRCh38, chr19:13,136,075, plus strand): 5'-TACACCAGCGACAGCCCTGGCTCCTACCACAATGAGGAGGACGAGGAGGAGGATGGTGGC[G>A]AGGAGGGCATGGATGAGCAGTACCGGCAGATCTGCAACATGTACACCATGTACAGCATGA-3'
Protein context (NP_443108.1, residues 280-300): NEEDEEEDGG[Glu290Lys]EGMDEQYRQI